The following is an entry in ClinVar:

ClinVar aggregate classification (germline): Benign (1 of 4 stars; one submission).

Conditions:
Holoprosencephaly 9 (HPE9). Also called: HOLOPROSENCEPHALY WITH MICROPHTHALMIA AND FIRST BRANCHIAL ARCH ANOMALIES; PITUITARY ANOMALIES WITH HOLOPROSENCEPHALY-LIKE FEATURES. Identifiers: Orphanet 2162, MedGen C1835819, MONDO:0012563, OMIM 610829.

Allele frequency attached by ClinVar (database versions not stated): gnomAD exomes 0.00414 and 0.00191; ExAC 0.00458; 1000 Genomes Project 30x 0.00750; gnomAD 0.00003 and 0.00105; ESP Exome Variant Server 0.00008; TOPMed 0.00025; 1000 Genomes Project 0.00819.
gnomAD v4.1: 2,964 of 1,614,036 alleles (0.18%); highest among the groups gnomAD compares: South Asian, 3%; 72 homozygotes.

Submission:

Illumina Laboratory Services, Illumina
Classification: Benign for Holoprosencephaly 9. Last evaluated: 2018-01-12. Review status: criteria provided, single submitter. Criteria: ICSL Variant Classification Criteria 13 December 2019. Collection method: clinical testing. Allele origin: germline.
Comment: This variant was observed in the ICSL laboratory as part of a predisposition screen in an ostensibly healthy population. It had not been previously curated by ICSL or reported in the Human Gene Mutation Database (HGMD: prior to June 1st, 2018), and was therefore a candidate for classification through an automated scoring system. Utilizing variant allele frequency, disease prevalence and penetrance estimates, and inheritance mode, an automated score was calculated to assess if this variant is too frequent to cause the disease. Based on the score and internal cut-off values, a variant classified as benign is not then subjected to further curation. The score for this variant resulted in a classification of benign for this disease.

NM_001374353.1(GLI2):c.-1G>C

Gene: GLI2 (GLI family zinc finger 2; plus strand). Cytogenetic location: 2q14.2.
Variant type: single nucleotide variant.
Coding change: c.-1G>C on transcript NM_001374353.1 (MANE Select); 1 bases upstream of the start codon, G replaced by C.
Molecular consequence: 5 prime UTR variant.
Genome position (GRCh38, 1-based): chr2:120,797,320, G>C. VCF-style: chr2-120797320-G-C. GRCh37 (hg19) VCF-style: chr2-121554896-G-C.
Other names: c.-1G>C (NM_001371271.1, NM_005270.5); c.-270G>C (NM_001374354.1).
Identifiers: ClinVar variation 330960 (VCV000330960.5), dbSNP rs369138377, ClinGen allele CA1851371.